The following is an entry in ClinVar:

NM_001164508.2(NEB):c.10913G>T (p.Gly3638Val)

Gene: NEB (nebulin; minus strand). Cytogenetic location: 2q23.3.
Variant type: single nucleotide variant.
Coding change: c.10913G>T on transcript NM_001164508.2 (MANE Select); coding-DNA position 10913, G replaced by T.
Protein change: p.Gly3638Val; replaces glycine 3638 with valine.
Molecular consequence: missense variant.
Genome position (GRCh38, 1-based): chr2:151,618,438, C>A on the plus strand (G>T on the coding strand, the complement: NEB is on the minus strand). VCF-style: chr2-151618438-C-A. GRCh37 (hg19) VCF-style: chr2-152474952-C-A.
Other names: c.10913G>T, p.Gly3638Val (NM_001164507.2, NM_001271208.2); c.10184G>T, p.Gly3395Val (NM_004543.5); c.10184G>T (NM_004543.4); short protein forms G3395V, G3638V.
Identifiers: ClinVar variation 645097 (VCV000645097.11), dbSNP rs370161504, ClinGen allele CA1908916.

ClinVar aggregate classification (germline): Uncertain significance. Review status: criteria provided, multiple submitters, no conflicts (2 of 4 stars). 5 submissions from 5 submitters: Uncertain significance (4). 1 of the submissions does not count toward it. Last evaluated 2025-06-07.

Conditions:
Inborn genetic diseases. Identifiers: MedGen C0950123, MeSH D030342.
Nemaline myopathy 2 (NEM2). Also called: Nemaline myopathy 2, autosomal recessive. Identifiers: MedGen C1850569, MONDO:0009725, OMIM 256030.

Allele frequency attached by ClinVar (database versions not stated): gnomAD exomes 0.00002; gnomAD 0.00003; ExAC 0.00005; TOPMed 0.00007; ESP Exome Variant Server 0.00008.
gnomAD v4.1: 18 of 1,613,798 alleles (0.0011%); highest among the groups gnomAD compares: Admixed American, 0.0033%; no homozygotes.

Submissions (5):

Ambry Genetics
Classification: Uncertain significance for Inborn genetic diseases. Last evaluated: 2025-06-07. Review status: criteria provided, single submitter. Criteria: Ambry Variant Classification Scheme 2023. Collection method: clinical testing. Allele origin: germline.

Labcorp Genetics (formerly Invitae), Labcorp
Classification: Uncertain significance for Nemaline myopathy 2. Last evaluated: 2024-03-15. Review status: criteria provided, single submitter. Criteria: Invitae Variant Classification Sherloc (09022015). Collection method: clinical testing. Allele origin: germline.
Comment: This sequence change replaces glycine, which is neutral and non-polar, with valine, which is neutral and non-polar, at codon 3638 of the NEB protein (p.Gly3638Val). This variant is present in population databases (rs370161504, gnomAD 0.004%). This variant has not been reported in the literature in individuals affected with NEB-related conditions. ClinVar contains an entry for this variant (Variation ID: 645097). Experimental studies and prediction algorithms are not available or were not evaluated, and the functional significance of this variant is currently unknown. In summary, the available evidence is currently insufficient to determine the role of this variant in disease. Therefore, it has been classified as a Variant of Uncertain Significance.

Revvity Omics, Revvity
Classification: Uncertain significance. Last evaluated: 2019-04-29. Review status: criteria provided, single submitter. Criteria: ACMG Guidelines, 2015. Collection method: clinical testing. Allele origin: germline.

GeneDx
Classification: Uncertain significance. Last evaluated: 2019-02-25. Review status: criteria provided, single submitter. Criteria: GeneDx Variant Classification Process June 2021. Collection method: clinical testing. Allele origin: germline. Affected: yes.
Comment: Not observed at a significant frequency in large population cohorts (Lek et al., 2016); In silico analysis, which includes protein predictors and evolutionary conservation, supports a deleterious effect; Missense variant in a gene in which most reported pathogenic variants are truncating/loss-of-function; Has not been previously published as pathogenic or benign to our knowledge

Natera, Inc.
Classification: Uncertain significance for Nemaline myopathy type 2. Last evaluated: 2020-09-16. Review status: no assertion criteria provided. Collection method: clinical testing. Allele origin: germline. Not counted in ClinVar's aggregate classification.